The following is an entry in ClinVar:

NM_006019.4(TCIRG1):c.1196T>C (p.Leu399Pro)

Gene: TCIRG1 (T cell immune regulator 1, ATPase H+ transporting V0 subunit a3; plus strand). Cytogenetic location: 11q13.2.
Variant type: single nucleotide variant.
Coding change: c.1196T>C on transcript NM_006019.4 (MANE Select); coding-DNA position 1196, T replaced by C.
Protein change: p.Leu399Pro; replaces leucine 399 with proline.
Molecular consequence: missense variant.
Genome position (GRCh38, 1-based): chr11:68,047,463, T>C. VCF-style: chr11-68047463-T-C. GRCh37 (hg19) VCF-style: chr11-67814930-T-C.
Other names: c.302T>C, p.Leu101Pro (NM_001351059.2); c.548T>C, p.Leu183Pro (NM_006053.4); short protein forms L399P, L101P, L183P.
Identifiers: ClinVar variation 1897799 (VCV001897799.5), dbSNP rs1442151162, ClinGen allele CA381582152.
Genomic context (GRCh38, chr11:68,047,463, plus strand): 5'-GGTTCCCAGCTCACCCACCTCTGCCCACAGCTCCCTACACCATCATCACCTTCCCCTTCC[T>C]GTTTGCTGTGATGTTCGGGGATGTGGGCCACGGGCTGCTCATGTTCCTGTTCGCCCTGGC-3'
Protein context (NP_006010.2, residues 389-409): APYTIITFPF[Leu399Pro]FAVMFGDVGH

ClinVar aggregate classification (germline): Uncertain significance (1 of 4 stars; one submission).

Submission:

Labcorp Genetics (formerly Invitae), Labcorp
Classification: Uncertain significance. Last evaluated: 2022-08-12. Review status: criteria provided, single submitter. Criteria: Invitae Variant Classification Sherloc (09022015). Collection method: clinical testing. Allele origin: germline.
Comment: In summary, the available evidence is currently insufficient to determine the role of this variant in disease. Therefore, it has been classified as a Variant of Uncertain Significance. Algorithms developed to predict the effect of missense changes on protein structure and function are either unavailable or do not agree on the potential impact of this missense change (SIFT: "Deleterious"; PolyPhen-2: "Probably Damaging"; Align-GVGD: "Class C0"). This variant has not been reported in the literature in individuals affected with TCIRG1-related conditions. This variant is not present in population databases (gnomAD no frequency). This sequence change replaces leucine, which is neutral and non-polar, with proline, which is neutral and non-polar, at codon 399 of the TCIRG1 protein (p.Leu399Pro).